The following is an entry in ClinVar:

NM_053013.4(ENO3):c.412G>A (p.Ala138Thr)

Gene: ENO3 (enolase 3; plus strand). Cytogenetic location: 17p13.2.
Variant type: single nucleotide variant.
Coding change: c.412G>A on transcript NM_053013.4 (MANE Select); coding-DNA position 412, G replaced by A.
Protein change: p.Ala138Thr; replaces alanine 138 with threonine.
Molecular consequence: missense variant.
Genome position (GRCh38, 1-based): chr17:4,953,813, G>A. VCF-style: chr17-4953813-G-A. GRCh37 (hg19) VCF-style: chr17-4857108-G-A.
Other names: c.283G>A, p.Ala95Thr (NM_001193503.2); c.412G>A, p.Ala138Thr (NM_001374523.1, NM_001976.5); c.439G>A, p.Ala147Thr (NM_001374524.1); short protein forms A147T, A138T, A95T.
Identifiers: ClinVar variation 970640 (VCV000970640.7), dbSNP rs202030238, ClinGen allele CA8316291.
Genomic context (GRCh38, chr17:4,953,813, plus strand): 5'-GTGTGTAAGGCGGGAGCAGCTGAGAAGGGGGTCCCCCTGTACCGCCACATCGCAGATCTC[G>A]CTGGGAACCCTGACCTCATACTCCCAGTGCCAGTGAGTGCAGCTACCCGCCCTTCCCAGA-3'
Protein context (NP_443739.3, residues 128-148): VPLYRHIADL[Ala138Thr]GNPDLILPVP

ClinVar aggregate classification (germline): Uncertain significance (1 of 4 stars; one submission).

Conditions:
Glycogen storage disease due to muscle beta-enolase deficiency (GSD13). Also called: ENOLASE 3 DEFICIENCY; ENOLASE-BETA DEFICIENCY; GSD XIII; Glycogen Storage Disease Type XIII. Identifiers: Orphanet 99849, MedGen C2752027, MONDO:0013046, OMIM 612932.

Allele frequency attached by ClinVar (database versions not stated): ESP Exome Variant Server 0.00008; TOPMed 0.00009; ExAC 0.00014; 1000 Genomes Project 0.00060; 1000 Genomes Project 30x 0.00062.
gnomAD v4.1: 124 of 1,614,142 alleles (0.0077%); highest among the groups gnomAD compares: East Asian, 0.087%; no homozygotes.

Submission:

Labcorp Genetics (formerly Invitae), Labcorp
Classification: Uncertain significance for Glycogen storage disease due to muscle beta-enolase deficiency. Last evaluated: 2022-06-02. Review status: criteria provided, single submitter. Criteria: Invitae Variant Classification Sherloc (09022015). Collection method: clinical testing. Allele origin: germline.
Comment: This sequence change replaces alanine, which is neutral and non-polar, with threonine, which is neutral and polar, at codon 138 of the ENO3 protein (p.Ala138Thr). This variant is present in population databases (rs202030238, gnomAD 0.2%). This variant has not been reported in the literature in individuals affected with ENO3-related conditions. ClinVar contains an entry for this variant (Variation ID: 970640). Algorithms developed to predict the effect of missense changes on protein structure and function (SIFT, PolyPhen-2, Align-GVGD) all suggest that this variant is likely to be disruptive. In summary, the available evidence is currently insufficient to determine the role of this variant in disease. Therefore, it has been classified as a Variant of Uncertain Significance.